The following is an entry in ClinVar:

NM_170699.3(GPBAR1):c.338C>T (p.Ala113Val)

Gene: GPBAR1 (G protein-coupled bile acid receptor 1; plus strand). Cytogenetic location: 2q35.
Variant type: single nucleotide variant.
Coding change: c.338C>T on transcript NM_170699.3 (MANE Select); coding-DNA position 338, C replaced by T.
Protein change: p.Ala113Val; replaces alanine 113 with valine.
Molecular consequence: missense variant.
Genome position (GRCh38, 1-based): chr2:218,263,062, C>T. VCF-style: chr2-218263062-C-T. GRCh37 (hg19) VCF-style: chr2-219127785-C-T.
Other names: c.338C>T, p.Ala113Val (NM_001077191.2, NM_001077194.2, NM_001321950.2); c.338C>T (NM_001321950.1); short protein forms A113V.
Identifiers: ClinVar variation 2337980 (VCV002337980.3), dbSNP rs201272591, ClinGen allele CA2102566.

ClinVar aggregate classification (germline): Uncertain significance. Review status: criteria provided, multiple submitters, no conflicts (2 of 4 stars). 2 submissions from 2 submitters: Uncertain significance (2). Last evaluated 2023-02-17.

Conditions:
GPBAR1-related disorder. Also called: GPBAR1-related condition.

Allele frequency attached by ClinVar (database versions not stated): gnomAD exomes 0.00001; ExAC 0.00003; gnomAD 0.00005; TOPMed 0.00006.

Submissions (2):

PreventionGenetics, part of Exact Sciences
Classification: Uncertain significance for GPBAR1-related condition. Last evaluated: 2023-02-17. Review status: criteria provided, single submitter. Criteria: ACMG Guidelines, 2015. Collection method: clinical testing. Allele origin: germline.
Comment: The GPBAR1 c.338C>T variant is predicted to result in the amino acid substitution p.Ala113Val. To our knowledge, this variant has not been reported in the literature. This variant is reported in 0.037% of alleles in individuals of Latino descent in gnomAD. At this time, the clinical significance of this variant is uncertain due to the absence of conclusive functional and genetic evidence.

Ambry Genetics
Classification: Uncertain significance. Last evaluated: 2022-10-03. Review status: criteria provided, single submitter. Criteria: Ambry Variant Classification Scheme 2023. Collection method: clinical testing. Allele origin: germline.